The following is an entry in ClinVar:

NM_001673.5(ASNS):c.1289T>C (p.Leu430Ser)

Genes: ASNS (asparagine synthetase (glutamine-hydrolyzing); minus strand), CZ1P-ASNS (CZ1P-ASNS readthrough; minus strand). Cytogenetic location: 7q21.3.
Variant type: single nucleotide variant.
Coding change: c.1289T>C on transcript NM_001673.5 (MANE Select); coding-DNA position 1289, T replaced by C.
Protein change: p.Leu430Ser; replaces leucine 430 with serine.
Molecular consequence: missense variant. On other transcripts: non-coding transcript variant (1).
Genome position (GRCh38, 1-based): chr7:97,853,336, A>G on the plus strand (T>C on the coding strand, the complement: ASNS is on the minus strand). VCF-style: chr7-97853336-A-G. GRCh37 (hg19) VCF-style: chr7-97482648-A-G.
Other names: c.1226T>C, p.Leu409Ser (NM_001178075.2); c.1040T>C, p.Leu347Ser (NM_001178076.2, NM_001178077.1); c.1289T>C, p.Leu430Ser (NM_001352496.2, NM_133436.3, NM_183356.4); short protein forms L347S, L409S, L430S.
Identifiers: ClinVar variation 1508696 (VCV001508696.5), dbSNP rs1554347511, ClinGen allele CA368265115.

ClinVar aggregate classification (germline): Uncertain significance (1 of 4 stars; one submission).

Submission:

Labcorp Genetics (formerly Invitae), Labcorp
Classification: Uncertain significance. Last evaluated: 2024-12-16. Review status: criteria provided, single submitter. Criteria: Invitae Variant Classification Sherloc (09022015). Collection method: clinical testing. Allele origin: germline.
Comment: This sequence change replaces leucine, which is neutral and non-polar, with serine, which is neutral and polar, at codon 430 of the ASNS protein (p.Leu430Ser). This variant is not present in population databases (gnomAD no frequency). This variant has not been reported in the literature in individuals affected with ASNS-related conditions. ClinVar contains an entry for this variant (Variation ID: 1508696). Invitae Evidence Modeling of protein sequence and biophysical properties (such as structural, functional, and spatial information, amino acid conservation, physicochemical variation, residue mobility, and thermodynamic stability) indicates that this missense variant is expected to disrupt ASNS protein function with a positive predictive value of 80%. In summary, the available evidence is currently insufficient to determine the role of this variant in disease. Therefore, it has been classified as a Variant of Uncertain Significance.